The following is an entry in ClinVar:

NM_014363.6(SACS):c.12133T>C (p.Leu4045=)

Gene: SACS (sacsin molecular chaperone; minus strand). Cytogenetic location: 13q12.12.
Variant type: single nucleotide variant.
Coding change: c.12133T>C on transcript NM_014363.6 (MANE Select); coding-DNA position 12133, T replaced by C.
Protein change: p.Leu4045=; no amino-acid change (leucine 4045 retained).
Molecular consequence: synonymous variant.
Genome position (GRCh38, 1-based): chr13:23,331,743, A>G on the plus strand (T>C on the coding strand, the complement: SACS is on the minus strand). VCF-style: chr13-23331743-A-G. GRCh37 (hg19) VCF-style: chr13-23905882-A-G.
Other names: c.11692T>C, p.Leu3898= (NM_001278055.2).
Identifiers: ClinVar variation 1122596 (VCV001122596.32), dbSNP rs545028704, ClinGen allele CA6910178.

ClinVar aggregate classification (germline): Likely benign. Review status: criteria provided, multiple submitters, no conflicts (2 of 4 stars). 2 submissions from 2 submitters: Likely benign (2). Last evaluated 2023-12-18.

Conditions:
Spastic paraplegia. Identifiers: MedGen C0037772, HP:0001258.

Allele frequency attached by ClinVar (database versions not stated): gnomAD exomes below 0.00001 and 0.00001; ExAC 0.00001; gnomAD 0.00001 and 0.00002; TOPMed 0.00001; 1000 Genomes Project 30x 0.00016; 1000 Genomes Project 0.00020.
gnomAD v4.1: 9 of 1,613,968 alleles (0.00056%); highest among the groups gnomAD compares: African/African-American, 0.0053%; no homozygotes.

Submissions (2):

Labcorp Genetics (formerly Invitae), Labcorp
Classification: Likely benign for Spastic paraplegia. Last evaluated: 2023-12-18. Review status: criteria provided, single submitter. Criteria: Invitae Variant Classification Sherloc (09022015). Collection method: clinical testing. Allele origin: germline.

CeGaT Center for Human Genetics Tuebingen
Classification: Likely benign. Last evaluated: 2023-07-01. Review status: criteria provided, single submitter. Criteria: CeGaT Center For Human Genetics Tuebingen Variant Classification Criteria Version 2. Collection method: clinical testing. Allele origin: germline. Affected: yes. Observed: 1 variant allele.
Comment: SACS: BP4, BP7